The following is an entry in ClinVar:

ClinVar aggregate classification (germline): Pathogenic/Likely pathogenic. Review status: criteria provided, multiple submitters, no conflicts (2 of 4 stars). 2 submissions from 2 submitters: Pathogenic (1); Likely pathogenic (1). Last evaluated 2024-07-08.

Conditions:
Combined pituitary hormone deficiencies, genetic form. Also called: Pituitary hormone deficiency, combined. Identifiers: Orphanet 95494, MedGen C4273747, MONDO:0013099.

Allele frequency attached by ClinVar (database versions not stated): ExAC 0.00001; gnomAD exomes 0.00001.
gnomAD v4.1: 3 of 1,614,020 alleles (0.00019%); highest among the groups gnomAD compares: South Asian, 0.0011%; no homozygotes.

Submissions (2):

Women's Health and Genetics/Laboratory Corporation of America, LabCorp
Classification: Pathogenic for Combined pituitary hormone deficiencies, genetic form. Last evaluated: 2024-07-08. Review status: criteria provided, single submitter. Criteria: LabCorp Variant Classification Summary - May 2015. Collection method: clinical testing. Allele origin: germline.
Comment: Variant summary: POU1F1 c.793C>T (p.Arg265Trp) results in a non-conservative amino acid change in the encoded protein sequence. Five of five in-silico tools predict a damaging effect of the variant on protein function. The variant allele was found at a frequency of 8e-06 in 251056 control chromosomes (gnomAD). c.793C>T has been reported in the literature in multiple individuals affected with Combined Pituitary Hormone Deficiency (e.g. Turton_2012, Shamseldin_2016, Jadhav_2021). These data indicate that the variant is very likely to be associated with disease. At least one publication reports experimental evidence evaluating an impact on protein function, finding that the variant results in a loss of transcriptional activity in a reporter assay, which appeared to be caused by a lack of protein abundance (Turton_2012). The following publications have been ascertained in the context of this evaluation (PMID: 22010633, 27541381, 33742319). ClinVar contains an entry for this variant (Variation ID: 2734543). Based on the evidence outlined above, the variant was classified as pathogenic.

Labcorp Genetics (formerly Invitae), Labcorp
Classification: Likely pathogenic. Last evaluated: 2024-02-06. Review status: criteria provided, single submitter. Criteria: Invitae Variant Classification Sherloc (09022015). Collection method: clinical testing. Allele origin: germline.
Comment: This sequence change replaces arginine, which is basic and polar, with tryptophan, which is neutral and slightly polar, at codon 265 of the POU1F1 protein (p.Arg265Trp). This variant is present in population databases (rs780359925, gnomAD 0.002%). This missense change has been observed in individuals with autosomal recessive combined pituitary hormone deficiency (PMID: 22010633, 27541381, 33742319). Advanced modeling of protein sequence and biophysical properties (such as structural, functional, and spatial information, amino acid conservation, physicochemical variation, residue mobility, and thermodynamic stability) performed at Invitae indicates that this missense variant is expected to disrupt POU1F1 protein function with a positive predictive value of 80%. Experimental studies have shown that this missense change affects POU1F1 function (PMID: 22010633). In summary, the currently available evidence indicates that the variant is pathogenic, but additional data are needed to prove that conclusively. Therefore, this variant has been classified as Likely Pathogenic.

Literature cited by the submitters: PubMed 27541381 (cited by Women's Health and Genetics/Laboratory Corporation of America, LabCorp and Labcorp Genetics (formerly Invitae), Labcorp); PubMed 33742319 (cited by Women's Health and Genetics/Laboratory Corporation of America, LabCorp and Labcorp Genetics (formerly Invitae), Labcorp); PubMed 22010633 (cited by Women's Health and Genetics/Laboratory Corporation of America, LabCorp and Labcorp Genetics (formerly Invitae), Labcorp).

NM_000306.4(POU1F1):c.793C>T (p.Arg265Trp)

Gene: POU1F1 (POU class 1 homeobox 1; minus strand). Cytogenetic location: 3p11.2.
Variant type: single nucleotide variant.
Coding change: c.793C>T on transcript NM_000306.4 (MANE Select); coding-DNA position 793, C replaced by T.
Protein change: p.Arg265Trp; replaces arginine 265 with tryptophan.
Molecular consequence: missense variant.
Genome position (GRCh38, 1-based): chr3:87,259,977, G>A on the plus strand (C>T on the coding strand, the complement: POU1F1 is on the minus strand). VCF-style: chr3-87259977-G-A. GRCh37 (hg19) VCF-style: chr3-87309127-G-A.
Other names: c.871C>T, p.Arg291Trp (NM_001122757.3); short protein forms R265W, R291W.
Identifiers: ClinVar variation 2734543 (VCV002734543.4), dbSNP rs780359925, ClinGen allele CA2501074.